The following is an entry in ClinVar:

ClinVar aggregate classification (germline): Likely benign. Review status: criteria provided, multiple submitters, no conflicts (2 of 4 stars). 3 submissions from 3 submitters: Likely benign (2). 1 of the submissions does not count toward it. Last evaluated 2025-10-27.

Conditions:
MYH2-related disorder. Also called: MYH2-related condition.
Myopathy, proximal, and ophthalmoplegia (CMYO6). Also called: MYOPATHY WITH CONGENITAL JOINT CONTRACTURES, OPHTHALMOPLEGIA, AND RIMMED VACUOLES; INCLUSION BODY MYOPATHY 3, AUTOSOMAL DOMINANT; CONGENITAL MYOPATHY 6 WITH OPHTHALMOPLEGIA. Identifiers: Orphanet 363677, Orphanet 79091, MedGen C1854106, MONDO:0011577, OMIM 605637.

Allele frequency attached by ClinVar (database versions not stated): TOPMed 0.00004; gnomAD exomes 0.00007 and 0.00008; gnomAD 0.00010; ESP Exome Variant Server 0.00015; ExAC 0.00017.
gnomAD v4.1: 104 of 1,614,000 alleles (0.0064%); highest among the groups gnomAD compares: South Asian, 0.015%; no homozygotes.

Submissions (3):

Labcorp Genetics (formerly Invitae), Labcorp
Classification: Likely benign for Myopathy, proximal, and ophthalmoplegia. Last evaluated: 2025-10-27. Review status: criteria provided, single submitter. Criteria: Invitae Variant Classification Sherloc (09022015). Collection method: clinical testing. Allele origin: germline.

CeGaT Center for Human Genetics Tuebingen
Classification: Likely benign. Last evaluated: 2020-05-01. Review status: criteria provided, single submitter. Criteria: CeGaT Center For Human Genetics Tuebingen Variant Classification Criteria Version 2. Collection method: clinical testing. Allele origin: germline. Affected: yes. Observed: 1 variant allele.

PreventionGenetics, part of Exact Sciences
Classification: Likely benign for MYH2-related condition. Last evaluated: 2019-06-13. Review status: no assertion criteria provided. Collection method: clinical testing. Allele origin: germline. Not counted in ClinVar's aggregate classification.
Comment: This variant is classified as likely benign based on ACMG/AMP sequence variant interpretation guidelines (Richards et al. 2015 PMID: 25741868, with internal and published modifications).

NM_017534.6(MYH2):c.3459C>T (p.Ser1153=)

Genes: MYH2 (myosin heavy chain 2; minus strand), MYHAS (myosin heavy chain gene cluster antisense RNA; plus strand). Cytogenetic location: 17p13.1.
Variant type: single nucleotide variant.
Coding change: c.3459C>T on transcript NM_017534.6 (MANE Select); coding-DNA position 3459, C replaced by T.
Protein change: p.Ser1153=; no amino-acid change (serine 1153 retained).
Molecular consequence: synonymous variant.
Genome position (GRCh38, 1-based): chr17:10,528,975, G>A on the plus strand (C>T on the coding strand, the complement: MYH2 is on the minus strand). VCF-style: chr17-10528975-G-A. GRCh37 (hg19) VCF-style: chr17-10432292-G-A.
Other names: c.3459C>T (NM_017534.5); c.3459C>T, p.Ser1153= (NM_001100112.2).
Identifiers: ClinVar variation 654356 (VCV000654356.48), dbSNP rs142095822, ClinGen allele CA8390890.